The following is an entry in ClinVar:

NM_022829.6(SLC13A3):c.974G>A (p.Arg325Gln)

Gene: SLC13A3 (solute carrier family 13 member 3; minus strand). Cytogenetic location: 20q13.12.
Variant type: single nucleotide variant.
Coding change: c.974G>A on transcript NM_022829.6 (MANE Select); coding-DNA position 974, G replaced by A.
Protein change: p.Arg325Gln; replaces arginine 325 with glutamine.
Molecular consequence: missense variant.
Genome position (GRCh38, 1-based): chr20:46,589,202, C>T on the plus strand (G>A on the coding strand, the complement: SLC13A3 is on the minus strand). VCF-style: chr20-46589202-C-T. GRCh37 (hg19) VCF-style: chr20-45217841-C-T.
Other names: c.833G>A, p.Arg278Gln (NM_001011554.3, NM_001193340.2); c.824G>A, p.Arg275Gln (NM_001193339.2); c.680G>A, p.Arg227Gln (NM_001193342.2); short protein forms R325Q, R278Q, R227Q, R275Q.
Identifiers: ClinVar variation 1438893 (VCV001438893.7), dbSNP rs143334841, ClinGen allele CA9891460.
Genomic context (GRCh38, chr20:46,589,202, plus strand): 5'-CCAAGGGCCCCCACATACTTGATGGGCCCCAGGTTCTGGTATTCTTCCCGAATTACAGCT[C>T]GAGCCCTATCTTCTGCATTGGTTCTTATCTCAGATTTATTCTTCCTCCAGCCCCTGAAAC-3'
Protein context (NP_073740.2, residues 315-335): EIRTNAEDRA[Arg325Gln]AVIREEYQNL

ClinVar aggregate classification (germline): Uncertain significance (1 of 4 stars; one submission).

Allele frequency attached by ClinVar (database versions not stated): 1000 Genomes Project 30x 0.00016; 1000 Genomes Project 0.00020; gnomAD 0.00033 and 0.00034; TOPMed 0.00033; gnomAD exomes 0.00037 and 0.00052; ExAC 0.00041; ESP Exome Variant Server 0.00062.
gnomAD v4.1: 806 of 1,614,160 alleles (0.05%); highest among the groups gnomAD compares: Middle Eastern, 0.066%; 1 homozygote.

Submission:

Labcorp Genetics (formerly Invitae), Labcorp
Classification: Uncertain significance. Last evaluated: 2024-10-16. Review status: criteria provided, single submitter. Criteria: Invitae Variant Classification Sherloc (09022015). Collection method: clinical testing. Allele origin: germline.
Comment: This sequence change replaces arginine, which is basic and polar, with glutamine, which is neutral and polar, at codon 325 of the SLC13A3 protein (p.Arg325Gln). This variant is present in population databases (rs143334841, gnomAD 0.06%). This variant has not been reported in the literature in individuals affected with SLC13A3-related conditions. ClinVar contains an entry for this variant (Variation ID: 1438893). Invitae Evidence Modeling of protein sequence and biophysical properties (such as structural, functional, and spatial information, amino acid conservation, physicochemical variation, residue mobility, and thermodynamic stability) indicates that this missense variant is not expected to disrupt SLC13A3 protein function with a negative predictive value of 80%. In summary, the available evidence is currently insufficient to determine the role of this variant in disease. Therefore, it has been classified as a Variant of Uncertain Significance.